The following is an entry in ClinVar:

NM_000900.5(MGP):c.181C>T (p.Arg61Cys)

Gene: MGP (matrix Gla protein; minus strand). Cytogenetic location: 12p12.3.
Variant type: single nucleotide variant.
Coding change: c.181C>T on transcript NM_000900.5 (MANE Select); coding-DNA position 181, C replaced by T.
Protein change: p.Arg61Cys; replaces arginine 61 with cysteine.
Molecular consequence: missense variant.
Genome position (GRCh38, 1-based): chr12:14,882,270, G>A on the plus strand (C>T on the coding strand, the complement: MGP is on the minus strand). VCF-style: chr12-14882270-G-A. GRCh37 (hg19) VCF-style: chr12-15035204-G-A.
Other names: c.256C>T, p.Arg86Cys (NM_001190839.3); short protein forms R61C, R86C.
Identifiers: ClinVar variation 3643113 (VCV003643113.2).
Genomic context (GRCh38, chr12:14,882,270, plus strand): 5'-GTTCGCAAAGTCTGTAGTCATCACAGGCTTCCCTATTGAGCTCGTGGACAGGCTTAGAGC[G>A]TTCTCGGATCCTAGAAAGTGGAAGAAGAGGCCAAAATTGAGAAGGATAAAGTGGAAAAAT-3'
Protein context (NP_000891.2, residues 51-71): RAKVQERIRE[Arg61Cys]SKPVHELNRE

ClinVar aggregate classification (germline): Uncertain significance (1 of 4 stars; one submission).

Submission:

Labcorp Genetics (formerly Invitae), Labcorp
Classification: Uncertain significance. Last evaluated: 2025-08-09. Review status: criteria provided, single submitter. Criteria: Invitae Variant Classification Sherloc (09022015). Collection method: clinical testing. Allele origin: germline.
Comment: This sequence change replaces arginine, which is basic and polar, with cysteine, which is neutral and slightly polar, at codon 61 of the MGP protein (p.Arg61Cys). This variant is not present in population databases (gnomAD no frequency). This variant has not been reported in the literature in individuals affected with MGP-related conditions. ClinVar contains an entry for this variant (Variation ID: 3643113). An algorithm developed to predict the effect of missense changes on protein structure and function (PolyPhen-2) suggests that this variant is likely to be disruptive. In summary, the available evidence is currently insufficient to determine the role of this variant in disease. Therefore, it has been classified as a Variant of Uncertain Significance.